The following is an entry in ClinVar:

NM_152263.4(TPM3):c.317G>A (p.Arg106His)

Gene: TPM3 (tropomyosin 3; minus strand). Cytogenetic location: 1q21.3.
Variant type: single nucleotide variant.
Coding change: c.317G>A on transcript NM_152263.4 (MANE Select); coding-DNA position 317, G replaced by A.
Protein change: p.Arg106His; replaces arginine 106 with histidine.
Molecular consequence: missense variant. On other transcripts: 5 prime UTR variant (1), non-coding transcript variant (1), intron variant (1).
Genome position (GRCh38, 1-based): chr1:154,176,175, C>T on the plus strand (G>A on the coding strand, the complement: TPM3 is on the minus strand). VCF-style: chr1-154176175-C-T. GRCh37 (hg19) VCF-style: chr1-154148651-C-T.
Other names: c.206G>A, p.Arg69His (NM_001043351.2, NM_001043352.2, NM_001043353.2 and 5 more transcripts); c.-65G>A (NM_001278191.2); c.317G>A, p.Arg106His (NM_001364679.2, NM_001364680.2, NM_001364681.2 and 1 more transcripts); c.69-2974G>A (NM_001278188.2); short protein forms R106H, R69H.
Identifiers: ClinVar variation 2166997 (VCV002166997.4), dbSNP rs1662288037, ClinGen allele CA342584970.
Genomic context (GRCh38, chr1:154,176,175, plus strand): 5'-CTCTCACTCTCATCAGCAGCTTTTTCAGCTTCTTCCAGCTTTTGCAGGGCAGTGGCCAGG[C>T]GCTCCTGAGCACGGTCCAGCTCTTCTTCAACCAGCTGGATCCTACGGTTCAAGGAGGCCA-3'
Protein context (NP_689476.2, residues 96-116): VEEELDRAQE[Arg106His]LATALQKLEE

ClinVar aggregate classification (germline): Uncertain significance (1 of 4 stars; one submission).

Conditions:
Congenital myopathy 4B, autosomal recessive. Also called: Nemaline myopathy 1, autosomal dominant or recessive. Identifiers: Orphanet 171433, Orphanet 171439, Orphanet 171881, MedGen C5829889, MONDO:0012239, OMIM 609284.
Congenital myopathy with fiber type disproportion. Also called: Congenital fiber-type disproportion myopathy; Congenital fiber-type disproportion. Identifiers: Orphanet 2020, MedGen C0546264, MONDO:0009711. Inheritance: all.

Allele frequency attached by ClinVar (database versions not stated): gnomAD exomes below 0.00001; TOPMed below 0.00001.

Submission:

Labcorp Genetics (formerly Invitae), Labcorp
Classification: Uncertain significance for Congenital myopathy with fiber type disproportion; Congenital myopathy 4B, autosomal recessive. Last evaluated: 2022-07-26. Review status: criteria provided, single submitter. Criteria: Invitae Variant Classification Sherloc (09022015). Collection method: clinical testing. Allele origin: germline.
Comment: This variant has not been reported in the literature in individuals affected with TPM3-related conditions. In summary, the available evidence is currently insufficient to determine the role of this variant in disease. Therefore, it has been classified as a Variant of Uncertain Significance. Advanced modeling of protein sequence and biophysical properties (such as structural, functional, and spatial information, amino acid conservation, physicochemical variation, residue mobility, and thermodynamic stability) performed at Invitae indicates that this missense variant is expected to disrupt TPM3 protein function. This variant is not present in population databases (gnomAD no frequency). This sequence change replaces arginine, which is basic and polar, with histidine, which is basic and polar, at codon 106 of the TPM3 protein (p.Arg106His).